The following is an entry in ClinVar:

ClinVar aggregate classification (germline): Uncertain significance (1 of 4 stars; one submission).

Conditions:
Short-rib thoracic dysplasia 11 with or without polydactyly (SRTD11). Also called: SHORT-RIB THORACIC DYSPLASIA 11 WITHOUT POLYDACTYLY. Identifiers: Orphanet 474, Orphanet 93271, MedGen C3810200, MONDO:0014287, OMIM 615633.

Allele frequency attached by ClinVar (database versions not stated): gnomAD exomes below 0.00001.
gnomAD v4.1: 1 of 1,612,878 alleles (0.000062%); highest among the groups gnomAD compares: Admixed American, 0.0017%; no homozygotes.

Submission:

Labcorp Genetics (formerly Invitae), Labcorp
Classification: Uncertain significance for Short-rib thoracic dysplasia 11 with or without polydactyly. Last evaluated: 2022-07-19. Review status: criteria provided, single submitter. Criteria: Invitae Variant Classification Sherloc (09022015). Collection method: clinical testing. Allele origin: germline.
Comment: In summary, the available evidence is currently insufficient to determine the role of this variant in disease. Therefore, it has been classified as a Variant of Uncertain Significance. Algorithms developed to predict the effect of missense changes on protein structure and function (SIFT, PolyPhen-2, Align-GVGD) all suggest that this variant is likely to be tolerated. ClinVar contains an entry for this variant (Variation ID: 1681204). This variant has not been reported in the literature in individuals affected with WDR34-related conditions. This variant is present in population databases (no rsID available, gnomAD 0.003%). This sequence change replaces glycine, which is neutral and non-polar, with arginine, which is basic and polar, at codon 367 of the WDR34 protein (p.Gly367Arg).

NM_052844.4(DYNC2I2):c.1099G>A (p.Gly367Arg)

Genes: DYNC2I2 (dynein 2 intermediate chain 2; minus strand), LOC126860772 (CDK7 strongly-dependent group 2 enhancer GRCh37_chr9:131396972-131398171; plus strand). Cytogenetic location: 9q34.11.
Variant type: single nucleotide variant.
Coding change: c.1099G>A on transcript NM_052844.4 (MANE Select); coding-DNA position 1099, G replaced by A.
Protein change: p.Gly367Arg; replaces glycine 367 with arginine.
Molecular consequence: missense variant.
Genome position (GRCh38, 1-based): chr9:128,634,804, C>T on the plus strand (G>A on the coding strand, the complement: DYNC2I2 is on the minus strand). VCF-style: chr9-128634804-C-T. GRCh37 (hg19) VCF-style: chr9-131397083-C-T.
Other names: short protein forms G367R.
Identifiers: ClinVar variation 1681204 (VCV001681204.6), dbSNP rs1344384758, ClinGen allele CA375112975.